The following is an entry in ClinVar:

NM_005573.4(LMNB1):c.1007G>A (p.Arg336His)

Gene: LMNB1 (lamin B1; plus strand). Cytogenetic location: 5q23.2.
Variant type: single nucleotide variant.
Coding change: c.1007G>A on transcript NM_005573.4 (MANE Select); coding-DNA position 1007, G replaced by A.
Protein change: p.Arg336His; replaces arginine 336 with histidine.
Molecular consequence: missense variant. On other transcripts: non-coding transcript variant (2).
Genome position (GRCh38, 1-based): chr5:126,818,989, G>A. VCF-style: chr5-126818989-G-A. GRCh37 (hg19) VCF-style: chr5-126154681-G-A.
Other names: c.377G>A, p.Arg126His (NM_001198557.2); short protein forms R126H, R336H.
Identifiers: ClinVar variation 4689591 (VCV004689591.1).
Genomic context (GRCh38, chr5:126,818,989, plus strand): 5'-CATGTTTGGAAAGGATTCAAGAATTAGAGGACTTGCTTGCTAAAGAAAAAGACAACTCTC[G>A]TCGCATGCTGACAGACAAAGAGAGAGAGATGGCGGAAATAAGGGATCAAATGCAGCAACA-3'
Protein context (NP_005564.1, residues 326-346): DLLAKEKDNS[Arg336His]RMLTDKEREM

ClinVar aggregate classification (germline): Uncertain significance (1 of 4 stars; one submission).

gnomAD v4.1: 6 of 1,614,014 alleles (0.00037%); highest among the groups gnomAD compares: East Asian, 0.0022%; no homozygotes.

Submission:

Women's Health and Genetics/Laboratory Corporation of America, LabCorp
Classification: Uncertain significance. Last evaluated: 2026-01-06. Review status: criteria provided, single submitter. Criteria: LabCorp Variant Classification Summary - May 2015. Collection method: clinical testing. Allele origin: germline.
Comment: Variant summary: LMNB1 c.1007G>A (p.Arg336His) results in a non-conservative amino acid change in the encoded protein sequence. Algorithms developed to predict the effect of missense changes on protein structure and function all suggest that this variant is likely to be disruptive. The variant allele was found at a frequency of 4e-06 in 251300 control chromosomes (gnomAD). The available data on variant occurrences in the general population are insufficient to allow any conclusion about variant significance. To our knowledge, no occurrence of c.1007G>A in individuals affected with LMNB1-related conditions and no experimental evidence demonstrating its impact on protein function have been reported. No submitters have cited clinical-significance assessments for this variant to ClinVar. Based on the evidence outlined above, the variant was classified as uncertain significance.